The following continues an entry in ClinVar:

NM_000540.3(RYR1):c.7372C>T (p.Arg2458Cys)

Gene: RYR1. ClinVar aggregate classification (germline): Likely pathogenic; drug response. Likely pathogenic (1).

Submissions 11 to 21 of 21:

Color Diagnostics, LLC DBA Color Health
Classification: Likely pathogenic for Malignant hyperthermia, susceptibility to, 1. Last evaluated: 2025-08-26. Review status: criteria provided, single submitter. Criteria: ACMG Guidelines, 2015. Collection method: clinical testing. Allele origin: germline. Not counted in ClinVar's aggregate classification.
Comment: This missense variant replaces arginine with cysteine at codon 2458 of the RYR1 protein. Computational prediction suggests that this variant may have deleterious impact on protein structure and function. Functional studies in HEK293 cells have shown this variant increases sensitivity to caffeine in comparison to wild-type RYR1 (PMID: 27586648). This variant has been reported in at least six individuals affected with malignant hyperthermia susceptibility (PMID: 16835904, 24433488, 9450902, 9450902). It has been shown that this variant segregates with malignant hyperthermia susceptibility in two families (PMID: 9450902). Different variants affecting the same codon, c.7373G>T (p.Arg2458Leu) and c.7373G>A (p.Arg2458His), are considered to be disease-causing (ClinVar Variation ID: 590585, 12972), suggesting the arginine at this position is important for protein function. This variant has been identified in 2/282628 chromosomes in the general population by the Genome Aggregation Database (gnomAD). Based on the available evidence, this variant is classified as Likely Pathogenic.

Labcorp Genetics (formerly Invitae), Labcorp
Classification: Pathogenic for RYR1-related disorder. Last evaluated: 2025-02-12. Review status: criteria provided, single submitter. Criteria: Invitae Variant Classification Sherloc (09022015). Collection method: clinical testing. Allele origin: germline. Not counted in ClinVar's aggregate classification.
Comment: This sequence change replaces arginine, which is basic and polar, with cysteine, which is neutral and slightly polar, at codon 2458 of the RYR1 protein (p.Arg2458Cys). This variant is present in population databases (rs28933397, gnomAD 0.004%). This missense change has been observed in individual(s) with autosomal dominant malignant hyperthemia (PMID: 9450902, 11668625). It has also been observed to segregate with disease in related individuals. ClinVar contains an entry for this variant (Variation ID: 12971). Invitae Evidence Modeling of protein sequence and biophysical properties (such as structural, functional, and spatial information, amino acid conservation, physicochemical variation, residue mobility, and thermodynamic stability) indicates that this missense variant is expected to disrupt RYR1 protein function with a positive predictive value of 80%. Experimental studies have shown that this missense change affects RYR1 function (PMID: 9334205, 9873004, 27586648). This variant disrupts the p.Arg2458 amino acid residue in RYR1. Other variant(s) that disrupt this residue have been determined to be pathogenic (PMID: 9450902, 12700608, 16732084, 18564801, 22415532). This suggests that this residue is clinically significant, and that variants that disrupt this residue are likely to be disease-causing. For these reasons, this variant has been classified as Pathogenic.

Institute of Human Genetics, Clinical Exome/Genome Diagnostics Group, University Hospital Bonn
Classification: Likely pathogenic for Malignant hyperthermia, susceptibility to, 1. Last evaluated: 2024-05-21. Review status: criteria provided, single submitter. Criteria: ACMG Guidelines, 2015. Collection method: clinical testing. Allele origin: paternal. Not counted in ClinVar's aggregate classification.

GeneDx
Classification: Pathogenic. Last evaluated: 2023-07-21. Review status: criteria provided, single submitter. Criteria: GeneDx Variant Classification Process June 2021. Collection method: clinical testing. Allele origin: germline. Affected: yes. Not counted in ClinVar's aggregate classification.
Comment: Published functional studies demonstrate a damaging effect, indicating that R2458C destabilizes the channel, resulting in increased excitability in response to caffeine or halothane and altered channel dynamics (Tong et al., 1997; Bannister et al., 2007; Murayama et al., 2016); In silico analysis supports that this missense variant has a deleterious effect on protein structure/function; Not observed at a significant frequency in large population cohorts (gnomAD); Identified with a second variant in a patient with RYR1-recessive myopathy classified as Dusty core disease in published literature (Garibaldi et al., 2019); This variant is associated with the following publications: (PMID: 15677376, 9873004, 11668625, 22415532, 18564801, 16958617, 16732084, 16163667, 12208234, 21575570, 15611117, 27586648, 9334205, 20681998, 10051009, 31447099, 35428369, 24433488, 16835904, 12700608, 9450902, 30611313)

Women's Health and Genetics/Laboratory Corporation of America, LabCorp
Classification: Pathogenic for Malignant hyperthermia of anesthesia. Last evaluated: 2023-05-02. Review status: criteria provided, single submitter. Criteria: LabCorp Variant Classification Summary - May 2015. Collection method: clinical testing. Allele origin: germline. Not counted in ClinVar's aggregate classification.
Comment: Variant summary: RYR1 c.7372C>T (p.Arg2458Cys) results in a non-conservative amino acid change in the encoded protein sequence. Five of five in-silico tools predict a damaging effect of the variant on protein function. The variant allele was found at a frequency of 4e-06 in 251256 control chromosomes (gnomAD). c.7372C>T has been reported in the literature in multiple individuals affected with Malignant Hyperthermia Susceptibility (example: Manning_1998 and Girard_2001). Functional studies in HEK293 cells have shown this variant increases sensitivity to RYR1 agonists (examples: Murayama_2016 and Tong_1997). These data indicate that the variant is very likely to be associated with disease. The following publications have been ascertained in the context of this evaluation (PMID: 9450902, 11668625, 9334205, 27586648). Seven submitters (including an expert panel- ClinGen) have evaluated this variant after 2014 and classified the variant as pathogenic/likely pathogenic. Based on the evidence outlined above, the variant was classified as pathogenic.

Fulgent Genetics
Classification: Likely pathogenic for Central core myopathy; Malignant hyperthermia, susceptibility to, 1; Congenital myopathy 4A, autosomal dominant; Congenital multicore myopathy with external ophthalmoplegia; King Denborough syndrome. Last evaluated: 2021-09-07. Review status: criteria provided, single submitter. Criteria: ACMG Guidelines, 2015. Collection method: clinical testing. Allele origin: unknown. Not counted in ClinVar's aggregate classification.

HudsonAlpha Institute for Biotechnology
Classification: Likely pathogenic for Malignant hyperthermia, susceptibility to, 1. Last evaluated: 2019-03-27. Review status: criteria provided, single submitter. Criteria: ACMG Guidelines, 2015. Collection method: research. Allele origin: unknown. Observed: 3 variant alleles. Study: AGHI_GT. Not counted in ClinVar's aggregate classification.

Laboratory for Molecular Medicine, Mass General Brigham Personalized Medicine
Classification: Likely pathogenic for Malignant hyperthermia of anesthesia. Last evaluated: 2017-01-05. Review status: criteria provided, single submitter. Criteria: LMM Criteria. Collection method: clinical testing. Allele origin: germline. Inheritance: Autosomal dominant inheritance. Observed: 3 variant alleles. Not counted in ClinVar's aggregate classification.
Comment: The p.Arg2458Cys variant in RYR1 has been reported in 9 individuals with maligna nt hyperthermia, segregated with disease in 7 affected relatives from 2 families (Manning 1998, Girard 2001, Galli 2006, Klingler 2014) and was absent from larg e population studies. Computational prediction tools suggest that it affects pro tein function. In vitro functional studies provide conflicting evidence about th e impact of p.Arg2458Cys variant on protein function (Tong 1997, Tong 1999, Gira rd 2001, Bannister 2007). However, these types of assays may not accurately repr esent biological function. In summary, although additional studies are required to fully establish its clinical significance, the p.Arg2458Cys variant is likely pathogenic. ACMG/AMP Criteria applied: PP1_Strong, PM2, PS4_Moderate, PP3.

PreventionGenetics, part of Exact Sciences
Classification: Pathogenic. Last evaluated: 2015-08-19. Review status: criteria provided, single submitter. Criteria: ACMG Guidelines, 2015. Collection method: clinical testing. Allele origin: germline. Not counted in ClinVar's aggregate classification.

OMIM
Classification: risk factor for MALIGNANT HYPERTHERMIA, SUSCEPTIBILITY TO, 1. Last evaluated: 1998-01-01. Review status: no assertion criteria provided. Collection method: literature only. Allele origin: germline. Not counted in ClinVar's aggregate classification.

RYR1 database
No classification provided. Review status: no classification provided. Collection method: not provided. Allele origin: unknown. Not counted in ClinVar's aggregate classification.

Literature cited by the submitters: PubMed 10051009 (cited by ClinPGx and Variantyx, Inc.); PubMed 11668625 (cited by 4 submitters); PubMed 12208234 (cited by ClinPGx); PubMed 15731587 (cited by ClinPGx and Variantyx, Inc.); PubMed 16163667 (cited by ClinPGx); PubMed 16835904 (cited by 3 submitters); PubMed 20681998 (cited by ClinPGx); PubMed 24433488 (cited by 3 submitters); PubMed 9450902 (cited by 8 submitters); PubMed 9497245 (cited by ClinPGx); PubMed 27586648 (cited by 4 submitters); PubMed 9334205 (cited by 4 submitters); PubMed 21965348 (cited by 3billion); PubMed 9873004 (cited by Labcorp Genetics (formerly Invitae), Labcorp and Laboratory for Molecular Medicine, Mass General Brigham Personalized Medicine); PubMed 12700608 (cited by Labcorp Genetics (formerly Invitae), Labcorp); PubMed 16732084 (cited by Labcorp Genetics (formerly Invitae), Labcorp); PubMed 18564801 (cited by Labcorp Genetics (formerly Invitae), Labcorp); PubMed 22415532 (cited by Labcorp Genetics (formerly Invitae), Labcorp); PubMed 16958617 (cited by Laboratory for Molecular Medicine, Mass General Brigham Personalized Medicine).